The following is an entry in ClinVar:

NM_000276.4(OCRL):c.1294G>A (p.Ala432Thr)

Gene: OCRL (OCRL inositol polyphosphate-5-phosphatase; plus strand). Cytogenetic location: Xq26.1.
Variant type: single nucleotide variant.
Coding change: c.1294G>A on transcript NM_000276.4 (MANE Select); coding-DNA position 1294, G replaced by A.
Protein change: p.Ala432Thr; replaces alanine 432 with threonine.
Molecular consequence: missense variant.
Genome position (GRCh38, 1-based): chrX:129,565,821, G>A. VCF-style: chrX-129565821-G-A. GRCh37 (hg19) VCF-style: chrX-128699798-G-A.
Other names: c.1297G>A, p.Ala433Thr (NM_001318784.2); c.1294G>A, p.Ala432Thr (NM_001587.4); short protein forms A432T, A433T.
Identifiers: ClinVar variation 1696938 (VCV001696938.2), dbSNP rs2124409533, ClinGen allele CA414553280.

ClinVar aggregate classification (germline): Uncertain significance (1 of 4 stars; one submission).

Submission:

GeneDx
Classification: Uncertain significance. Last evaluated: 2022-01-18. Review status: criteria provided, single submitter. Criteria: GeneDx Variant Classification Process June 2021. Collection method: clinical testing. Allele origin: germline. Affected: yes.
Comment: Not observed at significant frequency in large population cohorts (gnomAD); In silico analysis supports that this missense variant does not alter protein structure/function; Has not been previously published as pathogenic or benign to our knowledge